The following is an entry in ClinVar:

ClinVar aggregate classification (germline): Uncertain significance (1 of 4 stars; one submission).

Submission:

GeneDx
Classification: Uncertain significance. Last evaluated: 2022-03-19. Review status: criteria provided, single submitter. Criteria: GeneDx Variant Classification Process June 2021. Collection method: clinical testing. Allele origin: germline. Affected: yes.
Comment: Not observed at significant frequency in large population cohorts (gnomAD); Has not been previously published as pathogenic or benign to our knowledge; In-silico analysis is inconclusive as to whether the variant alters gene splicing. In the absence of RNA/functional studies, the actual effect of this sequence change is unknown.

NM_000254.3(MTR):c.503-5del

Gene: MTR (5-methyltetrahydrofolate-homocysteine methyltransferase; plus strand). Cytogenetic location: 1q43.
Variant type: Deletion.
Coding change: c.503-5del on transcript NM_000254.3 (MANE Select); 5 bases into the intron before coding-DNA position 503, one base deleted (T; older notation c.503-5delT).
Molecular consequence: intron variant.
Genome position (GRCh38, 1-based): chr1:236,812,733, T deleted; the last of 6 consecutive T bases (chr1:236,812,728-236,812,733); deleting any one gives the same sequence. VCF-style (leftmost placement, unchanged base first): chr1-236812727-AT-A. GRCh37 (hg19) VCF-style: chr1-236976027-AT-A.
Other names: c.503-5del (NM_001291939.1); c.-606-5del (NM_001291940.2).
Identifiers: ClinVar variation 1706169 (VCV001706169.2), dbSNP rs2527888551, ClinGen allele CA2580062438.
Genomic context (GRCh38, chr1:236,812,727, plus strand): 5'-ACTCGAGATACCCTAGGGCCATTCAGAGGATATTGATGACTGATGTGCTGGGTGTGATTT[AT>A]TTTTTGCAGCATTTGATGAGCTTGTTGAAGCATACCAAGAGCAGGCCAAAGGACTTCTGG-3'